The following is an entry in ClinVar:

ClinVar aggregate classification (germline): Pathogenic/Likely pathogenic. Review status: criteria provided, multiple submitters, no conflicts (2 of 4 stars). 2 submissions from 2 submitters: Pathogenic (1); Likely pathogenic (1). Last evaluated 2022-10-08.

Conditions:
Retinitis pigmentosa 39 (RP39). Identifiers: Orphanet 791, MedGen C3151138, MONDO:0013436, OMIM 613809.

Submissions (2):

Labcorp Genetics (formerly Invitae), Labcorp
Classification: Pathogenic. Last evaluated: 2022-10-08. Review status: criteria provided, single submitter. Criteria: Invitae Variant Classification Sherloc (09022015). Collection method: clinical testing. Allele origin: germline.
Comment: For these reasons, this variant has been classified as Pathogenic. This variant has not been reported in the literature in individuals affected with USH2A-related conditions. This variant is not present in population databases (gnomAD no frequency). This sequence change creates a premature translational stop signal (p.Val3036Cysfs*15) in the USH2A gene. It is expected to result in an absent or disrupted protein product. Loss-of-function variants in USH2A are known to be pathogenic (PMID: 10729113, 10909849, 20507924, 25649381).

Baylor Genetics
Classification: Likely pathogenic for Retinitis pigmentosa 39. Last evaluated: 2022-06-30. Review status: criteria provided, single submitter. Criteria: ACMG Guidelines, 2015. Collection method: clinical testing. Allele origin: unknown.

Literature cited by the submitters: PubMed 10729113 (cited by Labcorp Genetics (formerly Invitae), Labcorp); PubMed 10909849 (cited by Labcorp Genetics (formerly Invitae), Labcorp); PubMed 20507924 (cited by Labcorp Genetics (formerly Invitae), Labcorp); PubMed 25649381 (cited by Labcorp Genetics (formerly Invitae), Labcorp).

NM_206933.4(USH2A):c.9106_9110del (p.Val3036fs)

Gene: USH2A (usherin; minus strand). Cytogenetic location: 1q41.
Variant type: Deletion.
Coding change: c.9106_9110del on transcript NM_206933.4 (MANE Select); coding-DNA positions 9106 to 9110, 5 bases deleted (GTACG; older notation c.9106_9110delGTACG).
Protein change: p.Val3036fs; shifts the reading frame from valine 3036.
Molecular consequence: frameshift variant.
Genome position (GRCh38, 1-based): chr1:215,844,442-215,844,446, CGTAC deleted on the plus strand (GTACG on the coding strand, the reverse complement: USH2A is on the minus strand). VCF-style (leftmost placement, unchanged base first): chr1-215844441-ACGTAC-A. GRCh37 (hg19) VCF-style: chr1-216017783-ACGTAC-A.
Other names: short protein forms V3036fs.
Identifiers: ClinVar variation 2034658 (VCV002034658.5), dbSNP rs2464606585, ClinGen allele CA2580062069.